The following is an entry in ClinVar:

ClinVar aggregate classification (germline): Uncertain significance (1 of 4 stars; one submission).

Conditions:
Epilepsy, progressive myoclonic, 1B. Also called: PME. Identifiers: Orphanet 308, MedGen C2676254, MONDO:0012904, OMIM 612437.

Allele frequency attached by ClinVar (database versions not stated): TOPMed 0.00001; gnomAD 0.00002 and 0.00003; ExAC 0.00003; ESP Exome Variant Server 0.00008.
gnomAD v4.1: 6 of 1,613,998 alleles (0.00037%); highest among the groups gnomAD compares: African/African-American, 0.008%; no homozygotes.

Submission:

Labcorp Genetics (formerly Invitae), Labcorp
Classification: Uncertain significance for Epilepsy, progressive myoclonic, 1B. Last evaluated: 2023-07-17. Review status: criteria provided, single submitter. Criteria: Invitae Variant Classification Sherloc (09022015). Collection method: clinical testing. Allele origin: germline.
Comment: This sequence change replaces glutamine, which is neutral and polar, with glutamic acid, which is acidic and polar, at codon 809 of the PRICKLE1 protein (p.Gln809Glu). This variant is present in population databases (rs142613488, gnomAD 0.02%). This variant has not been reported in the literature in individuals affected with PRICKLE1-related conditions. ClinVar contains an entry for this variant (Variation ID: 1041337). An algorithm developed to predict the effect of missense changes on protein structure and function (PolyPhen-2) suggests that this variant¬†is likely to be tolerated. In summary, the available evidence is currently insufficient to determine the role of this variant in disease. Therefore, it has been classified as a Variant of Uncertain Significance.

NM_153026.3(PRICKLE1):c.2425C>G (p.Gln809Glu)

Gene: PRICKLE1 (prickle planar cell polarity protein 1; minus strand). Cytogenetic location: 12q12.
Variant type: single nucleotide variant.
Coding change: c.2425C>G on transcript NM_153026.3 (MANE Select); coding-DNA position 2425, C replaced by G.
Protein change: p.Gln809Glu; replaces glutamine 809 with glutamic acid.
Molecular consequence: missense variant.
Genome position (GRCh38, 1-based): chr12:42,459,880, G>C on the plus strand (C>G on the coding strand, the complement: PRICKLE1 is on the minus strand). VCF-style: chr12-42459880-G-C. GRCh37 (hg19) VCF-style: chr12-42853682-G-C.
Other names: c.2425C>G, p.Gln809Glu (NM_001144881.2, NM_001144882.2, NM_001144883.2); short protein forms Q809E.
Identifiers: ClinVar variation 1041337 (VCV001041337.4), dbSNP rs142613488, ClinGen allele CA6519599.